The following is an entry in ClinVar:

NC_000011.9:g.(?_94153285)_(111965700_?)del

Genes: AASDHPPT (aminoadipate-semialdehyde dehydrogenase-phosphopantetheinyl transferase; plus strand), ACAT1 (acetyl-CoA acetyltransferase 1; plus strand), ALG9 (ALG9 alpha-1,2-mannosyltransferase; minus strand), ALKBH8 (alkB homolog 8, tRNA methyltransferase; minus strand), AMOTL1 (angiomotin like 1; plus strand) and 91 more. Cytogenetic location: 11q21-23.1.
Variant type: Deletion.
Identifiers: ClinVar variation 1075501 (VCV001075501.2).

ClinVar aggregate classification (germline): Pathogenic (1 of 4 stars; one submission).

Conditions:
Ataxia-telangiectasia syndrome (AT). Also called: Cerebello-oculocutaneous telangiectasia; Immunodeficiency with ataxia telangiectasia; ATAXIA-TELANGIECTASIA, FRESNO VARIANT; Ataxia-telangiectasia, complementation group D; Ataxia telangiectasia (A-T); LOUIS-BAR SYNDROME. Identifiers: Orphanet 100, MedGen C0004135, MONDO:0008840, OMIM 208900.

Submission:

Labcorp Genetics (formerly Invitae), Labcorp
Classification: Pathogenic for Ataxia-telangiectasia syndrome. Last evaluated: 2020-01-16. Review status: criteria provided, single submitter. Criteria: Invitae Variant Classification Sherloc (09022015). Collection method: clinical testing. Allele origin: germline.
Comment: A gross deletion of the genomic region encompassing the full coding sequence of the ATM gene has been identified. The boundaries of this event are unknown as the deletion extends beyond the assayed region for this gene and therefore may encompass additional genes. This variant has not been reported in the literature in individuals with ATM-related conditions. Loss-of-function variants in ATM are known to be pathogenic (PMID: 23807571, 25614872). For these reasons, this variant has been classified as Pathogenic.

Literature cited by the submitters: PubMed 23807571; PubMed 25614872.